The following is an entry in ClinVar:

ClinVar aggregate classification (germline): Likely pathogenic (0 of 4 stars; one submission).

Conditions:
Immunodeficiency 107, susceptibility to invasive staphylococcus aureus infection (IMD107). Identifiers: MedGen C5774192, MONDO:0031030, OMIM 619986.

Submission:

Pediatric Infectious Diseases and Immunodeficiencies Unit (UPIIP)- HUVH-VHIR, Vall d'Hebron University Hospital
Classification: Likely pathogenic for Immunodeficiency 107, susceptibility to invasive staphylococcus aureus infection. Review status: no assertion criteria provided. Collection method: clinical testing. Allele origin: germline. Inheritance: Autosomal dominant inheritance. Affected: yes. Observed: 1 heterozygote.
Comment: It is absent from large population studies (gnomAD v4) and has a high conservation score (CADD: 42). Heterozygous variants in this gene have been reported recently to cause phenotypes similar to the one we observed (PMID: 35587511).

Literature cited by the submitters: PubMed 35587511.

NM_138348.6(OTULIN):c.443G>A (p.Trp148Ter)

Gene: OTULIN (OTU deubiquitinase with linear linkage specificity; plus strand). Cytogenetic location: 5p15.2.
Variant type: single nucleotide variant.
Coding change: c.443G>A on transcript NM_138348.6 (MANE Select); coding-DNA position 443, G replaced by A.
Protein change: p.Trp148Ter; replaces tryptophan 148 with a stop codon.
Molecular consequence: nonsense.
Genome position (GRCh38, 1-based): chr5:14,681,582, G>A. VCF-style: chr5-14681582-G-A. GRCh37 (hg19) VCF-style: chr5-14681691-G-A.
Other names: short protein forms W148*.
Identifiers: ClinVar variation 2663923 (VCV002663923.1), dbSNP rs2478185742, ClinGen allele CA359243061.